The following is an entry in ClinVar:

NM_000057.4(BLM):c.412A>G (p.Lys138Glu)

Gene: BLM (BLM RecQ like helicase; plus strand). Cytogenetic location: 15q26.1.
Variant type: single nucleotide variant.
Coding change: c.412A>G on transcript NM_000057.4 (MANE Select); coding-DNA position 412, A replaced by G.
Protein change: p.Lys138Glu; replaces lysine 138 with glutamic acid.
Molecular consequence: missense variant. On other transcripts: 5 prime UTR variant (1).
Genome position (GRCh38, 1-based): chr15:90,749,680, A>G. VCF-style: chr15-90749680-A-G. GRCh37 (hg19) VCF-style: chr15-91292910-A-G.
Other names: c.412A>G, p.Lys138Glu (NM_001287246.2, NM_001287247.2); c.-880A>G (NM_001287248.2); short protein forms K138E.
Identifiers: ClinVar variation 4768786 (VCV004768786.1).

ClinVar aggregate classification (germline): Uncertain significance (1 of 4 stars; one submission).

Conditions:
Bloom syndrome (BLM). Also called: Bloom-Torre-Machacek syndrome. Identifiers: Orphanet 125, MedGen C0005859, MONDO:0008876, OMIM 210900.

Submission:

Labcorp Genetics (formerly Invitae), Labcorp
Classification: Uncertain significance for Bloom syndrome. Last evaluated: 2025-06-06. Review status: criteria provided, single submitter. Criteria: Invitae Variant Classification Sherloc (09022015). Collection method: clinical testing. Allele origin: germline.
Comment: This sequence change replaces lysine, which is basic and polar, with glutamic acid, which is acidic and polar, at codon 138 of the BLM protein (p.Lys138Glu). This variant is not present in population databases (gnomAD no frequency). This variant has not been reported in the literature in individuals affected with BLM-related conditions. An algorithm developed to predict the effect of missense changes on protein structure and function (PolyPhen-2) suggests that this variant is likely to be disruptive. In summary, the available evidence is currently insufficient to determine the role of this variant in disease. Therefore, it has been classified as a Variant of Uncertain Significance.